The following is an entry in ClinVar:

Conditions:
Breast-ovarian cancer, familial, susceptibility to, 1 (BROVCA1). Also called: BRCA1 Hereditary Breast and Ovarian Cancer; OVARIAN CANCER, SUSCEPTIBILITY TO. Identifiers: Orphanet 145, MedGen C2676676, MONDO:0011450, OMIM 604370. Disease mechanism: loss of function.

Submission:

Brotman Baty Institute, University of Washington
No classification provided (evidence only). Condition: Breast-ovarian cancer, familial 1. Review status: no classification provided. Collection method: in vitro. Allele origin: not applicable. Functional consequence: functionally_normal.
ClinVar note: "not provided" was previously submitted as the classification for the variant. However, the classification appeared to be based only on an observation of functional data so it was converted to no classification on 2025-07-30.

NM_007294.4(BRCA1):c.134+14T>G

Gene: BRCA1 (BRCA1 DNA repair associated; minus strand). Cytogenetic location: 17q21.31.
Variant type: single nucleotide variant.
Coding change: c.134+14T>G on transcript NM_007294.4 (MANE Select); 14 bases into the intron after coding-DNA position 134, T replaced by G.
Molecular consequence: intron variant.
Genome position (GRCh38, 1-based): chr17:43,115,712, A>C on the plus strand (T>G on the coding strand, the complement: BRCA1 is on the minus strand). VCF-style: chr17-43115712-A-C. GRCh37 (hg19) VCF-style: chr17-41267729-A-C.
Other names: c.134+14T>G (NM_001408448.1, NM_001408421.1, NM_001407991.1 and 191 more transcripts); c.-8+8305T>G (NM_001407936.1, NM_001407849.1, NM_001407845.1 and 23 more transcripts); c.-55+14T>G (NM_001407958.1, NM_001407955.1, NM_001408493.1 and 52 more transcripts); c.-286+14T>G (NM_001407965.1); c.-124+14T>G (NM_001407930.1, NM_001407843.1, NM_001408456.1 and 13 more transcripts); c.-128+14T>G (NM_001408465.1, NM_001407695.1); c.-8+14T>G (NM_001407920.1, NM_001408504.1, NM_001408463.1 and 47 more transcripts); c.-8+5846T>G (NM_001407751.1, NM_001407726.1); and 10 more.
Identifiers: ClinVar variation 867848 (VCV000867848.3), dbSNP rs2055239309, ClinGen allele CA916080967.
Genomic context (GRCh38, chr17:43,115,712, plus strand): 5'-GTTAGGTGTTTCCTGGGTTATGAAGGACAAAAACAAAAGCTAATAATGGAGCCACATAAC[A>C]CATTCAAACTTACTTGCAAAATATGTGGTCACACTTTGTGGAGACAGGTTCCTTGATCAA-3'